The following is an entry in ClinVar:

ClinVar aggregate classification (germline): Pathogenic (1 of 4 stars; one submission).

Submission:

GeneDx
Classification: Pathogenic. Last evaluated: 2016-02-26. Review status: criteria provided, single submitter. Criteria: GeneDx Variant Classification (06012015). Collection method: clinical testing. Allele origin: germline. Affected: yes.
Comment: The c.3877delG pathogenic variant in the SCN1A gene causes a frameshift starting with codon Aspartic acid 1293, changes this amino acid to a Methionine residue and creates a premature Stop codon at position 7 of the new reading frame, denoted p.Asp1293MetfsX7. This pathogenic variant is predicted to cause loss of normal protein function either through protein truncation or nonsense-mediated mRNA decay. Additionally, it was not observed in approximately 6,500 individuals of European and African American ancestry in the NHLBI Exome Sequencing Project, indicating it is not a common benign variant in these populations. Although this variant has not been reported previously to our knowledge, other frameshift variants have been reported in the SCN1A gene in association with SCN1A-related disorders (Stenson et al., 2014).

NM_001165963.4(SCN1A):c.3877del (p.Asp1293fs)

Genes: SCN1A (sodium voltage-gated channel alpha subunit 1; minus strand), LOC102724058 (uncharacterized LOC102724058; plus strand). Cytogenetic location: 2q24.3.
Variant type: Deletion.
Coding change: c.3877del on transcript NM_001165963.4 (MANE Select); coding-DNA position 3877, one base deleted (G; older notation c.3877delG).
Protein change: p.Asp1293fs; shifts the reading frame from aspartic acid 1293.
Molecular consequence: frameshift variant. On other transcripts: non-coding transcript variant (1).
Genome position (GRCh38, 1-based): chr2:166,012,111, C deleted on the plus strand (G on the coding strand, the reverse complement: SCN1A is on the minus strand). VCF-style (leftmost placement, unchanged base first): chr2-166012110-TC-T. GRCh37 (hg19) VCF-style: chr2-166868620-TC-T.
Other names: c.3793del, p.Asp1265fs (NM_001165964.3, NM_001353957.2, NM_001353958.2); c.3877del, p.Asp1293fs (NM_001202435.3, NM_001353948.2); c.3844del, p.Asp1282fs (NM_001353949.2, NM_001353950.2, NM_001353951.2 and 2 more transcripts); c.3841del, p.Asp1281fs (NM_001353954.2, NM_001353955.2); c.3790del, p.Asp1264fs (NM_001353960.2); c.1435del, p.Asp479fs (NM_001353961.2); short protein forms D479fs, D1264fs, D1265fs, D1281fs, D1282fs, D1293fs.
Identifiers: ClinVar variation 280336 (VCV000280336.2), dbSNP rs886041562, ClinGen allele CA10602833.
Genomic context (GRCh38, chr2:166,012,110, plus strand): 5'-TTTGAATATAAATAAGACAAGCTACCTTGAACAGAGACAAAAATATGAACGATACCTACA[TC>T]AACAATTAAGAAGTCCAGCCAACACCAGGCATTGGTGAAATATGTTTGATAGCCATATGC-3'